The following is an entry in ClinVar:

NM_003839.4(TNFRSF11A):c.794G>T (p.Gly265Val)

Gene: TNFRSF11A (TNF receptor superfamily member 11a; plus strand). Cytogenetic location: 18q21.33.
Variant type: single nucleotide variant.
Coding change: c.794G>T on transcript NM_003839.4 (MANE Select); coding-DNA position 794, G replaced by T.
Protein change: p.Gly265Val; replaces glycine 265 with valine.
Molecular consequence: missense variant. On other transcripts: intron variant (3).
Genome position (GRCh38, 1-based): chr18:62,368,711, G>T. VCF-style: chr18-62368711-G-T. GRCh37 (hg19) VCF-style: chr18-60035944-G-T.
Other names: c.752G>T, p.Gly251Val (NM_001278268.2); c.783+1951G>T (NM_001270949.2); c.730+6918G>T (NM_001270950.2); c.616+8662G>T (NM_001270951.2); short protein forms G251V, G265V.
Identifiers: ClinVar variation 3624124 (VCV003624124.2).

ClinVar aggregate classification (germline): Uncertain significance (1 of 4 stars; one submission).

Submission:

Labcorp Genetics (formerly Invitae), Labcorp
Classification: Uncertain significance. Last evaluated: 2024-08-22. Review status: criteria provided, single submitter. Criteria: Invitae Variant Classification Sherloc (09022015). Collection method: clinical testing. Allele origin: germline.
Comment: This sequence change replaces glycine, which is neutral and non-polar, with valine, which is neutral and non-polar, at codon 265 of the TNFRSF11A protein (p.Gly265Val). This variant is not present in population databases (gnomAD no frequency). This variant has not been reported in the literature in individuals affected with TNFRSF11A-related conditions. An algorithm developed to predict the effect of missense changes on protein structure and function (PolyPhen-2) suggests that this variant is likely to be tolerated. In summary, the available evidence is currently insufficient to determine the role of this variant in disease. Therefore, it has been classified as a Variant of Uncertain Significance.